The following is an entry in ClinVar:

ClinVar aggregate classification (germline): Uncertain significance (1 of 4 stars; one submission).

Conditions:
Inborn genetic diseases. Identifiers: MedGen C0950123, MeSH D030342.

Submission:

Ambry Genetics
Classification: Uncertain significance for Inborn genetic diseases. Last evaluated: 2026-03-15. Review status: criteria provided, single submitter. Criteria: Ambry Variant Classification Scheme 2023. Collection method: clinical testing. Allele origin: germline.
Comment: The p.D279H variant (also known as c.835G>C), located in coding exon 6 of the DNMT3A gene, results from a G to C substitution at nucleotide position 835. The aspartic acid at codon 279 is replaced by histidine, an amino acid with similar properties. This amino acid position is conserved. In addition, this alteration is predicted to be deleterious by in silico analysis. Based on the available evidence, the clinical significance of this variant remains unclear.

NM_022552.5(DNMT3A):c.835G>C (p.Asp279His)

Gene: DNMT3A (DNA methyltransferase 3 alpha; minus strand). Cytogenetic location: 2p23.3.
Variant type: single nucleotide variant.
Coding change: c.835G>C on transcript NM_022552.5 (MANE Select); coding-DNA position 835, G replaced by C.
Protein change: p.Asp279His; replaces aspartic acid 279 with histidine.
Molecular consequence: missense variant. On other transcripts: non-coding transcript variant (1).
Genome position (GRCh38, 1-based): chr2:25,248,057, C>G on the plus strand (G>C on the coding strand, the complement: DNMT3A is on the minus strand). VCF-style: chr2-25248057-C-G. GRCh37 (hg19) VCF-style: chr2-25470926-C-G.
Other names: c.379G>C, p.Asp127His (NM_001320893.1); c.166G>C, p.Asp56His (NM_001375819.1); c.268G>C, p.Asp90His (NM_153759.3); c.835G>C, p.Asp279His (NM_175629.2); short protein forms D127H, D279H, D56H, D90H.
Identifiers: ClinVar variation 4869994 (VCV004869994.1).